The following is an entry in ClinVar:

NM_001793.6(CDH3):c.391-10T>C

Gene: CDH3 (cadherin 3; plus strand). Cytogenetic location: 16q22.1.
Variant type: single nucleotide variant.
Coding change: c.391-10T>C on transcript NM_001793.6 (MANE Select); 10 bases into the intron before coding-DNA position 391, T replaced by C.
Molecular consequence: intron variant.
Genome position (GRCh38, 1-based): chr16:68,678,491, T>C. VCF-style: chr16-68678491-T-C. GRCh37 (hg19) VCF-style: chr16-68712394-T-C.
Other names: c.226-10T>C (NM_001317196.2); c.391-10T>C (NM_001317195.3, NM_001793.5).
Identifiers: ClinVar variation 1088433 (VCV001088433.11), dbSNP rs368673660, ClinGen allele CA8129026.

ClinVar aggregate classification (germline): Likely benign. Review status: criteria provided, multiple submitters, no conflicts (2 of 4 stars). 3 submissions from 3 submitters: Likely benign (2). 1 of the submissions does not count toward it. Last evaluated 2025-05-20.

Conditions:
CDH3-related disorder. Also called: CDH3-related condition.

Allele frequency attached by ClinVar (database versions not stated): ExAC 0.00005; gnomAD exomes 0.00008; gnomAD 0.00014 and 0.00016; TOPMed 0.00023; ESP Exome Variant Server 0.00031.
gnomAD v4.1: 52 of 1,614,122 alleles (0.0032%); highest among the groups gnomAD compares: African/African-American, 0.055%; no homozygotes.

Submissions (3):

Labcorp Genetics (formerly Invitae), Labcorp
Classification: Likely benign. Last evaluated: 2025-05-20. Review status: criteria provided, single submitter. Criteria: Invitae Variant Classification Sherloc (09022015). Collection method: clinical testing. Allele origin: germline.

Blueprint Genetics
Classification: Likely benign. Last evaluated: 2022-11-28. Review status: criteria provided, single submitter. Criteria: ACMG Guidelines, 2015. Collection method: clinical testing. Allele origin: germline.

PreventionGenetics, part of Exact Sciences
Classification: Likely benign for CDH3-related condition. Last evaluated: 2024-06-26. Review status: no assertion criteria provided. Collection method: clinical testing. Allele origin: germline. Not counted in ClinVar's aggregate classification.
Comment: This variant is classified as likely benign based on ACMG/AMP sequence variant interpretation guidelines (Richards et al. 2015 PMID: 25741868, with internal and published modifications).